The following is an entry in ClinVar:

ClinVar aggregate classification (germline): Pathogenic (1 of 4 stars; one submission).

Conditions:
Hereditary cancer-predisposing syndrome. Also called: Neoplastic Syndromes, Hereditary; Tumor predisposition; Hereditary Cancer Syndrome; Hereditary neoplastic syndrome. Identifiers: Orphanet 140162, MedGen C0027672, MeSH D009386, MONDO:0015356.

Submission:

Ambry Genetics
Classification: Pathogenic for Hereditary cancer-predisposing syndrome. Last evaluated: 2021-02-12. Review status: criteria provided, single submitter. Criteria: Ambry Variant Classification Scheme 2023. Collection method: clinical testing. Allele origin: germline.
Comment: The c.1925delA pathogenic mutation, located in coding exon 7 of the AXIN2 gene, results from a deletion of one nucleotide at nucleotide position 1925, causing a translational frameshift with a predicted alternate stop codon (p.K642Rfs*47). This alteration is expected to result in loss of function by premature protein truncation or nonsense-mediated mRNA decay. As such, this alteration is interpreted as a disease-causing mutation.

NM_004655.4(AXIN2):c.1925del (p.Lys642fs)

Gene: AXIN2 (axin 2; minus strand). Cytogenetic location: 17q24.1.
Variant type: Deletion.
Coding change: c.1925del on transcript NM_004655.4 (MANE Select); coding-DNA position 1925, one base deleted (A; older notation c.1925delA).
Protein change: p.Lys642fs; shifts the reading frame from lysine 642.
Molecular consequence: frameshift variant.
Genome position (GRCh38, 1-based): chr17:65,536,536, T deleted on the plus strand (A on the coding strand, the reverse complement: AXIN2 is on the minus strand); the first of 6 consecutive T bases (chr17:65,536,536-65,536,541); deleting any one gives the same sequence. VCF-style (leftmost placement, unchanged base first): chr17-65536535-CT-C. GRCh37 (hg19) VCF-style: chr17-63532653-CT-C.
Other names: c.1730del, p.Lys577fs (NM_001363813.1); c.1925delA (NM_004655.3); short protein forms K642fs, K577fs.
Identifiers: ClinVar variation 1782758 (VCV001782758.2), dbSNP rs1301294410, ClinGen allele CA645590417.